The following is an entry in ClinVar:

NM_004304.5(ALK):c.4165-2A>G

Gene: ALK (ALK receptor tyrosine kinase; minus strand). Cytogenetic location: 2p23.2.
Variant type: single nucleotide variant.
Coding change: c.4165-2A>G on transcript NM_004304.5 (MANE Select); the canonical splice acceptor site of the intron before coding-DNA position 4165, A replaced by G.
Molecular consequence: splice acceptor variant.
Genome position (GRCh38, 1-based): chr2:29,193,924, T>C on the plus strand (A>G on the coding strand, the complement: ALK is on the minus strand). VCF-style: chr2-29193924-T-C. GRCh37 (hg19) VCF-style: chr2-29416790-T-C.
Other names: c.961-2A>G (NM_001353765.2).
Identifiers: ClinVar variation 1494413 (VCV001494413.6), dbSNP rs2148139200, ClinGen allele CA346463701.

ClinVar aggregate classification (germline): Uncertain significance (1 of 4 stars; one submission).

Conditions:
Neuroblastoma, susceptibility to, 3. Also called: ALK-Related Neuroblastic Tumor Susceptibility. Identifiers: Orphanet 635, MedGen C2751681, MONDO:0013083, OMIM 613014.

Submission:

Labcorp Genetics (formerly Invitae), Labcorp
Classification: Uncertain significance for Neuroblastoma, susceptibility to, 3. Last evaluated: 2021-05-28. Review status: criteria provided, single submitter. Criteria: Invitae Variant Classification Sherloc (09022015). Collection method: clinical testing. Allele origin: germline.
Comment: In summary, the available evidence is currently insufficient to determine the role of this variant in disease. Therefore, it has been classified as a Variant of Uncertain Significance. Nucleotide substitutions within the consensus splice site are a relatively common cause of aberrant splicing (PMID: 17576681, 9536098). Algorithms developed to predict the effect of sequence changes on RNA splicing suggest that this variant may disrupt the consensus splice site, but this prediction has not been confirmed by published transcriptional studies. This variant has not been reported in the literature in individuals with ALK-related conditions. This variant is not present in population databases (ExAC no frequency). This sequence change falls in intron 28 of the ALK gene. It does not directly change the encoded amino acid sequence of the ALK protein. It affects a nucleotide within the consensus splice site of the intron.

Literature cited by the submitters: PubMed 17576681; PubMed 9536098.